The following is an entry in ClinVar:

NM_001321075.3(DLG4):c.788-2dup

Genes: DLG4 (discs large MAGUK scaffold protein 4; minus strand), LOC126862479 (MED14-independent group 3 enhancer GRCh37_chr17:7099412-7100611; plus strand). Cytogenetic location: 17p13.1.
Variant type: Duplication.
Coding change: c.788-2dup on transcript NM_001321075.3 (MANE Select); the canonical splice acceptor site of the intron before coding-DNA position 788, one base duplicated (A; older notation c.788-2dupA).
Molecular consequence: splice acceptor variant.
Genome position (GRCh38, 1-based): chr17:7,197,054, T duplicated on the plus strand (A on the coding strand, the reverse complement: DLG4 is on the minus strand). VCF-style (leftmost placement, unchanged base first): chr17-7197053-C-CT. GRCh37 (hg19) VCF-style: chr17-7100372-C-CT.
Other names: c.917-2dup (NM_001365.5); c.779-2dup (NM_001128827.4); c.707-2dup (NM_001369566.3); c.608-2dup (NM_001321077.3, NM_001321076.3); c.908-2dup (NM_001321074.1).
Identifiers: ClinVar variation 1309248 (VCV001309248.2), dbSNP rs751501008, ClinGen allele CA8337091.

ClinVar aggregate classification (germline): Uncertain significance (1 of 4 stars; one submission).

Allele frequency attached by ClinVar (database versions not stated): ExAC 0.00001; gnomAD exomes 0.00001; gnomAD 0.00002; TOPMed 0.00002.

Submission:

GeneDx
Classification: Uncertain significance. Last evaluated: 2019-10-04. Review status: criteria provided, single submitter. Criteria: GeneDx Variant Classification Process June 2021. Collection method: clinical testing. Allele origin: germline. Affected: yes.
Comment: Has not been previously published as pathogenic or benign to our knowledge; In-silico analysis, which includes splice predictors and evolutionary conservation, is inconclusive as to whether the variant alters gene splicing. In the absence of RNA/functional studies, the actual effect of this sequence change is unknown.